The following is an entry in ClinVar:

NM_018082.6(POLR3B):c.2183T>C (p.Ile728Thr)

Gene: POLR3B (RNA polymerase III subunit B; plus strand). Cytogenetic location: 12q23.3.
Variant type: single nucleotide variant.
Coding change: c.2183T>C on transcript NM_018082.6 (MANE Select); coding-DNA position 2183, T replaced by C.
Protein change: p.Ile728Thr; replaces isoleucine 728 with threonine.
Molecular consequence: missense variant.
Genome position (GRCh38, 1-based): chr12:106,454,601, T>C. VCF-style: chr12-106454601-T-C. GRCh37 (hg19) VCF-style: chr12-106848379-T-C.
Other names: c.2009T>C, p.Ile670Thr (NM_001160708.2); short protein forms I670T, I728T.
Identifiers: ClinVar variation 2418279 (VCV002418279.6), dbSNP rs748464579, ClinGen allele CA6762140.

ClinVar aggregate classification (germline): Uncertain significance (1 of 4 stars; one submission).

Allele frequency attached by ClinVar (database versions not stated): gnomAD exomes 0.00001; ExAC 0.00002; gnomAD 0.00003; TOPMed 0.00006.
gnomAD v4.1: 15 of 1,609,268 alleles (0.00093%); highest among the groups gnomAD compares: East Asian, 0.029%; no homozygotes.

Submission:

Labcorp Genetics (formerly Invitae), Labcorp
Classification: Uncertain significance. Last evaluated: 2022-11-15. Review status: criteria provided, single submitter. Criteria: Invitae Variant Classification Sherloc (09022015). Collection method: clinical testing. Allele origin: germline.
Comment: This variant has not been reported in the literature in individuals affected with POLR3B-related conditions. In summary, the available evidence is currently insufficient to determine the role of this variant in disease. Therefore, it has been classified as a Variant of Uncertain Significance. Advanced modeling of protein sequence and biophysical properties (such as structural, functional, and spatial information, amino acid conservation, physicochemical variation, residue mobility, and thermodynamic stability) performed at Invitae indicates that this missense variant is not expected to disrupt POLR3B protein function. This variant is present in population databases (rs748464579, gnomAD 0.06%). This sequence change replaces isoleucine, which is neutral and non-polar, with threonine, which is neutral and polar, at codon 728 of the POLR3B protein (p.Ile728Thr).